The following is an entry in ClinVar:

ClinVar aggregate classification (germline): Pathogenic (1 of 4 stars; one submission).

Conditions:
Ataxia-telangiectasia syndrome (AT). Also called: Ataxia-telangiectasia, complementation group D; ATAXIA-TELANGIECTASIA, COMPLEMENTATION GROUP A; ATAXIA-TELANGIECTASIA, FRESNO VARIANT; Ataxia-telangiectasia; Ataxia telangiectasia (A-T); Cerebello-oculocutaneous telangiectasia. Identifiers: Orphanet 100, MedGen C0004135, MONDO:0008840, OMIM 208900.

Submission:

Labcorp Genetics (formerly Invitae), Labcorp
Classification: Pathogenic for Ataxia-telangiectasia syndrome. Last evaluated: 2022-10-07. Review status: criteria provided, single submitter. Criteria: Invitae Variant Classification Sherloc (09022015). Collection method: clinical testing. Allele origin: germline.
Comment: This sequence change creates a premature translational stop signal (p.Ser49Profs*7) in the ATM gene. It is expected to result in an absent or disrupted protein product. Loss-of-function variants in ATM are known to be pathogenic (PMID: 23807571, 25614872). This variant is not present in population databases (gnomAD no frequency). This variant has not been reported in the literature in individuals affected with ATM-related conditions. For these reasons, this variant has been classified as Pathogenic.

Literature cited by the submitters: PubMed 23807571; PubMed 25614872.

NM_000051.4(ATM):c.145del (p.Ser49fs)

Gene: ATM (ATM serine/threonine kinase; plus strand). Cytogenetic location: 11q22.3.
Variant type: Deletion.
Coding change: c.145del on transcript NM_000051.4 (MANE Select); coding-DNA position 145, one base deleted (T; older notation c.145delT).
Protein change: p.Ser49fs; shifts the reading frame from serine 49.
Molecular consequence: frameshift variant.
Genome position (GRCh38, 1-based): chr11:108,227,848, T deleted; the last of 2 consecutive T bases (chr11:108,227,847-108,227,848); deleting either gives the same sequence. VCF-style (leftmost placement, unchanged base first): chr11-108227846-AT-A. GRCh37 (hg19) VCF-style: chr11-108098573-AT-A.
Other names: c.145del, p.Ser49fs (NM_001351834.2, NM_001351835.2, NM_001351836.2); short protein forms S49fs.
Identifiers: ClinVar variation 2034587 (VCV002034587.4), dbSNP rs2496896737, ClinGen allele CA2580083060.
Genomic context (GRCh38, chr11:108,227,846, plus strand): 5'-AGAAATTTAAGCGCCTGATTCGAGATCCTGAAACAATTAAACATCTAGATCGGCATTCAG[AT>A]TCCAAACAAGGAAAATATTTGAATTGGGATGCTGTTTTTAGGTATTCTATTCAAATTTAT-3'